The following is an entry in ClinVar:

NM_005430.4(WNT1):c.593T>C (p.Met198Thr)

Gene: WNT1 (Wnt family member 1; plus strand). Cytogenetic location: 12q13.12.
Variant type: single nucleotide variant.
Coding change: c.593T>C on transcript NM_005430.4 (MANE Select); coding-DNA position 593, T replaced by C.
Protein change: p.Met198Thr; replaces methionine 198 with threonine.
Molecular consequence: missense variant.
Genome position (GRCh38, 1-based): chr12:48,980,658, T>C. VCF-style: chr12-48980658-T-C. GRCh37 (hg19) VCF-style: chr12-49374441-T-C.
Other names: c.593T>C (NM_005430.3); short protein forms M198T.
Identifiers: ClinVar variation 2181991 (VCV002181991.5), dbSNP rs201511024, ClinGen allele CA384632511.

ClinVar aggregate classification (germline): Uncertain significance. Review status: criteria provided, multiple submitters, no conflicts (2 of 4 stars). 2 submissions from 2 submitters: Uncertain significance (2). Last evaluated 2025-09-26.

Conditions:
Inborn genetic diseases. Identifiers: MedGen C0950123, MeSH D030342.

Allele frequency attached by ClinVar (database versions not stated): TOPMed 0.00008.

Submissions (2):

Ambry Genetics
Classification: Uncertain significance for Inborn genetic diseases. Last evaluated: 2025-09-26. Review status: criteria provided, single submitter. Criteria: Ambry Variant Classification Scheme 2023. Collection method: clinical testing. Allele origin: germline.

Labcorp Genetics (formerly Invitae), Labcorp
Classification: Uncertain significance. Last evaluated: 2025-03-18. Review status: criteria provided, single submitter. Criteria: Invitae Variant Classification Sherloc (09022015). Collection method: clinical testing. Allele origin: germline.
Comment: This sequence change replaces methionine, which is neutral and non-polar, with threonine, which is neutral and polar, at codon 198 of the WNT1 protein (p.Met198Thr). This variant is not present in population databases (gnomAD no frequency). This variant has not been reported in the literature in individuals affected with WNT1-related conditions. ClinVar contains an entry for this variant (Variation ID: 2181991). Invitae Evidence Modeling of protein sequence and biophysical properties (such as structural, functional, and spatial information, amino acid conservation, physicochemical variation, residue mobility, and thermodynamic stability) indicates that this missense variant is not expected to disrupt WNT1 protein function with a negative predictive value of 80%. In summary, the available evidence is currently insufficient to determine the role of this variant in disease. Therefore, it has been classified as a Variant of Uncertain Significance.